The following is an entry in ClinVar:

NM_001371623.1(TCOF1):c.600C>T (p.Ser200=)

Gene: TCOF1 (treacle ribosome biogenesis factor 1; plus strand). Cytogenetic location: 5q32.
Variant type: single nucleotide variant.
Coding change: c.600C>T on transcript NM_001371623.1 (MANE Select); coding-DNA position 600, C replaced by T.
Protein change: p.Ser200=; no amino-acid change (serine 200 retained).
Molecular consequence: synonymous variant.
Genome position (GRCh38, 1-based): chr5:150,369,563, C>T. VCF-style: chr5-150369563-C-T. GRCh37 (hg19) VCF-style: chr5-149749126-C-T.
Other names: c.600C>T, p.Ser200= (NM_000356.4, NM_001008657.3, NM_001135243.2 and 3 more transcripts).
Identifiers: ClinVar variation 1193258 (VCV001193258.12), dbSNP rs73270841, ClinGen allele CA3510610.
Genomic context (GRCh38, chr5:150,369,563, plus strand): 5'-CAGTCCCCTCCGTGTCCGATCCTCAGGGATGGTGTCAGCGGGCCAGGCCGACAGCTCCAG[C>T]GAGGACACCTCCAGCTCCAGTGATGAGACAGACGTGGAGGTAATTGCCACCCATCCCTAG-3'
Protein context (NP_001358552.1, residues 190-210): MVSAGQADSS[Ser200=]EDTSSSSDET

ClinVar aggregate classification (germline): Likely benign. Review status: criteria provided, multiple submitters, no conflicts (2 of 4 stars). 4 submissions from 4 submitters: Likely benign (4). Last evaluated 2024-11-22.

Conditions:
TCOF1-related disorder. Also called: TCOF1-related condition.
Treacher Collins syndrome 1 (TCS1). Also called: TCOF1-Related Treacher Collins Syndrome. Identifiers: Orphanet 861, MedGen CN315775, MONDO:0007944, OMIM 154500.

Allele frequency attached by ClinVar (database versions not stated): gnomAD exomes 0.00010 and 0.00021; ExAC 0.00012; gnomAD 0.00014 and 0.00016; TOPMed 0.00014; ESP Exome Variant Server 0.00023; 1000 Genomes Project 0.00060; 1000 Genomes Project 30x 0.00094.
gnomAD v4.1: 326 of 1,614,084 alleles (0.02%); highest among the groups gnomAD compares: Admixed American, 0.027%; no homozygotes.

Submissions (4):

Blueprint Genetics
Classification: Likely benign. Last evaluated: 2024-11-22. Review status: criteria provided, single submitter. Criteria: ACMG Guidelines, 2015. Collection method: clinical testing. Allele origin: germline.

PreventionGenetics, part of Exact Sciences
Classification: Likely benign for TCOF1-related condition. Last evaluated: 2024-10-22. Review status: criteria provided, single submitter. Criteria: ACMG Guidelines, 2015. Collection method: clinical testing. Allele origin: germline.
Comment: This variant is classified as likely benign based on ACMG/AMP sequence variant interpretation guidelines (Richards et al. 2015 PMID: 25741868, with internal and published modifications).

Labcorp Genetics (formerly Invitae), Labcorp
Classification: Likely benign for Treacher Collins syndrome 1. Last evaluated: 2023-07-29. Review status: criteria provided, single submitter. Criteria: Invitae Variant Classification Sherloc (09022015). Collection method: clinical testing. Allele origin: germline.

GeneDx
Classification: Likely benign. Last evaluated: 2021-05-11. Review status: criteria provided, single submitter. Criteria: GeneDx Variant Classification Process June 2021. Collection method: clinical testing. Allele origin: germline. Affected: yes.